The following is an entry in ClinVar:

ClinVar aggregate classification (germline): Likely benign (1 of 4 stars; one submission).

Allele frequency attached by ClinVar (database versions not stated): gnomAD exomes 0.00009; 1000 Genomes Project 0.00020; ExAC 0.00020; ESP Exome Variant Server 0.00023; gnomAD 0.00027; 1000 Genomes Project 30x 0.00031; TOPMed 0.00036.
gnomAD v4.1: 185 of 1,614,052 alleles (0.011%); highest among the groups gnomAD compares: Middle Eastern, 0.12%; no homozygotes.

Submission:

CeGaT Center for Human Genetics Tuebingen
Classification: Likely benign. Last evaluated: 2023-04-01. Review status: criteria provided, single submitter. Criteria: CeGaT Center For Human Genetics Tuebingen Variant Classification Criteria Version 2. Collection method: clinical testing. Allele origin: germline. Affected: yes. Observed: 1 variant allele.
Comment: DCHS2: BP4, BP7

NM_001358235.2(DCHS2):c.4614C>T (p.Asp1538=)

Gene: DCHS2 (dachsous cadherin-related 2; minus strand). Cytogenetic location: 4q31.3.
Variant type: single nucleotide variant.
Coding change: c.4614C>T on transcript NM_001358235.2 (MANE Select); coding-DNA position 4614, C replaced by T.
Protein change: p.Asp1538=; no amino-acid change (aspartic acid 1538 retained).
Molecular consequence: synonymous variant.
Genome position (GRCh38, 1-based): chr4:154,320,785, G>A on the plus strand (C>T on the coding strand, the complement: DCHS2 is on the minus strand). VCF-style: chr4-154320785-G-A. GRCh37 (hg19) VCF-style: chr4-155241937-G-A.
Identifiers: ClinVar variation 2655138 (VCV002655138.24), dbSNP rs146199349, ClinGen allele CA3112828.